The following is an entry in ClinVar:

NM_001303256.3(MORC2):c.2974_2979del (p.Glu992_Lys993del)

Gene: MORC2 (MORC family CW-type zinc finger 2; minus strand). Cytogenetic location: 22q12.2.
Variant type: Deletion.
Coding change: c.2974_2979del on transcript NM_001303256.3 (MANE Select); coding-DNA positions 2974 to 2979, 6 bases deleted (GAGAAG; older notation c.2974_2979delGAGAAG).
Protein change: p.Glu992_Lys993del.
Molecular consequence: inframe deletion.
Genome position (GRCh38, 1-based): chr22:30,928,070-30,928,075, CTTCTC deleted on the plus strand (GAGAAG on the coding strand, the reverse complement: MORC2 is on the minus strand); deleting any 6 consecutive bases within chr22:30,928,070-30,928,077 gives the same sequence; the c. name uses the placement nearest the transcript's 3' end. VCF-style (leftmost placement, unchanged base first): chr22-30928069-GCTTCTC-G. GRCh37 (hg19) VCF-style: chr22-31324056-GCTTCTC-G.
Other names: c.2974_2979del, p.Glu992_Lys993del (NM_001303257.2); c.2788_2793del, p.Glu930_Lys931del (NM_014941.3).
Identifiers: ClinVar variation 861562 (VCV000861562.10), dbSNP rs2040516792, ClinGen allele CA916083816.
Genomic context (GRCh38, chr22:30,928,069, plus strand): 5'-CCGGGCTCACCTCCTGCACCTTTTGCAGGAGTGCCACGATGTTGGTCCTCAGCTTCTGCA[GCTTCTC>G]CTCCGTCTCGCGGAGCTTCCTCTCGGAGGTGCGCAGGCTTTCCTCGGAGGCCTTGGCCCG-3'

ClinVar aggregate classification (germline): Uncertain significance (1 of 4 stars; one submission).

Conditions:
Charcot-Marie-Tooth disease axonal type 2Z. Also called: CHARCOT-MARIE-TOOTH DISEASE, AXONAL, AUTOSOMAL DOMINANT, TYPE 2Z; CHARCOT-MARIE-TOOTH NEUROPATHY, TYPE 2Z. Identifiers: Orphanet 466768, MedGen C5569025, MONDO:0014736, OMIM 616688.

Submission:

Labcorp Genetics (formerly Invitae), Labcorp
Classification: Uncertain significance for Charcot-Marie-Tooth disease axonal type 2Z. Last evaluated: 2022-07-19. Review status: criteria provided, single submitter. Criteria: Invitae Variant Classification Sherloc (09022015). Collection method: clinical testing. Allele origin: germline.
Comment: This variant is not present in population databases (gnomAD no frequency). In summary, the available evidence is currently insufficient to determine the role of this variant in disease. Therefore, it has been classified as a Variant of Uncertain Significance. Experimental studies and prediction algorithms are not available or were not evaluated, and the functional significance of this variant is currently unknown. ClinVar contains an entry for this variant (Variation ID: 861562). This variant has not been reported in the literature in individuals affected with MORC2-related conditions. This variant, c.2974_2979del, results in the deletion of 2 amino acid(s) of the MORC2 protein (p.Glu992_Lys993del), but otherwise preserves the integrity of the reading frame.